The following is an entry in ClinVar:

NM_000548.5(TSC2):c.3850_3856del (p.Gln1284fs)

Gene: TSC2 (TSC complex subunit 2; plus strand). Cytogenetic location: 16p13.3.
Variant type: Deletion.
Coding change: c.3850_3856del on transcript NM_000548.5 (MANE Select); coding-DNA positions 3850 to 3856, 7 bases deleted (CAAGGAC; older notation c.3850_3856delCAAGGAC).
Protein change: p.Gln1284fs; shifts the reading frame from glutamine 1284.
Molecular consequence: frameshift variant. On other transcripts: intron variant (6).
Genome position (GRCh38, 1-based): chr16:2,082,471-2,082,477, CAAGGAC deleted; deleting any 7 consecutive bases within chr16:2,082,470-2,082,477 gives the same sequence; the c. name uses the placement nearest the transcript's 3' end. VCF-style (leftmost placement, unchanged base first): chr16-2082469-GCCAAGGA-G. GRCh37 (hg19) VCF-style: chr16-2132470-GCCAAGGA-G.
Other names: c.3850_3856del7 (NM_000548.4); c.3118_3124del, p.Gln1040fs (NM_001318831.2); c.3718_3724del, p.Gln1240fs (NM_001370404.1); c.3721_3727del, p.Gln1241fs (NM_001370405.1, NM_021055.3); c.3814+673_3814+679del (NM_001114382.3); c.3685+673_3685+679del (NM_001363528.2); c.3682+673_3682+679del (NM_001077183.3); c.3574+673_3574+679del (NM_001318827.2); and 2 more; short protein forms Q1040fs, Q1240fs, Q1241fs, Q1284fs.
Identifiers: ClinVar variation 1084130 (VCV001084130.9), dbSNP rs752493138, ClinGen allele CA048874.

ClinVar aggregate classification (germline): Likely benign. Review status: criteria provided, single submitter (1 of 4 stars). 2 submissions from 2 submitters: Likely benign (1). 1 of the submissions does not count toward it. Last evaluated 2024-03-06.

Conditions:
Tuberous sclerosis 2 (TSC2). Identifiers: Orphanet 805, MedGen C1860707, MONDO:0013199, OMIM 613254.
TSC2-related disorder. Also called: TSC2-related condition; TSC2-Related Disorders.

Submissions (2):

Labcorp Genetics (formerly Invitae), Labcorp
Classification: Likely benign for Tuberous sclerosis 2. Last evaluated: 2024-03-06. Review status: criteria provided, single submitter. Criteria: Invitae Variant Classification Sherloc (09022015). Collection method: clinical testing. Allele origin: germline.

PreventionGenetics, part of Exact Sciences
Classification: Likely benign for TSC2-related condition. Last evaluated: 2022-09-06. Review status: no assertion criteria provided. Collection method: clinical testing. Allele origin: germline. Not counted in ClinVar's aggregate classification.
Comment: This variant is classified as likely benign based on ACMG/AMP sequence variant interpretation guidelines (Richards et al. 2015 PMID: 25741868, with internal and published modifications).